The following is an entry in ClinVar:

ClinVar aggregate classification (germline): Likely pathogenic (1 of 4 stars; one submission).

Conditions:
Imerslund-Grasbeck syndrome. Also called: Imerslund-Gräsbeck syndrome; Megaloblastic anemia due to inborn errors of metabolism; ENTEROCYTE COBALAMIN MALABSORPTION; ENTEROCYTE INTRINSIC FACTOR RECEPTOR, DEFECT OF; PERNICIOUS ANEMIA, JUVENILE, DUE TO SELECTIVE INTESTINAL MALABSORPTION OF VITAMIN B12, WITH PROTEINURIA. Identifiers: Orphanet 35858, MedGen C4551825, MONDO:0009853.

Submission:

Labcorp Genetics (formerly Invitae), Labcorp
Classification: Likely pathogenic for Imerslund-Grasbeck syndrome. Last evaluated: 2025-11-23. Review status: criteria provided, single submitter. Criteria: Invitae Variant Classification Sherloc (09022015). Collection method: clinical testing. Allele origin: germline.
Comment: This sequence change affects a donor splice site in intron 30 of the CUBN gene. It is expected to disrupt RNA splicing. Variants that disrupt the donor or acceptor splice site typically lead to a loss of protein function (PMID: 16199547), and loss-of-function variants in CUBN are known to be pathogenic (PMID: 15024727, 22929189, 25349199, 31613795, 34979989). This variant is not present in population databases (gnomAD no frequency). This variant has not been reported in the literature in individuals affected with CUBN-related conditions. Algorithms developed to predict the effect of sequence changes on RNA splicing suggest that this variant may disrupt the consensus splice site. In summary, the currently available evidence indicates that the variant is pathogenic, but additional data are needed to prove that conclusively. Therefore, this variant has been classified as Likely Pathogenic.

Literature cited by the submitters: PubMed 16199547; PubMed 15024727; PubMed 22929189; PubMed 25349199; PubMed 31613795; PubMed 34979989.

NM_001081.4(CUBN):c.4525+2T>G

Gene: CUBN (cubilin; minus strand). Cytogenetic location: 10p13.
Variant type: single nucleotide variant.
Coding change: c.4525+2T>G on transcript NM_001081.4 (MANE Select); the canonical splice donor site of the intron after coding-DNA position 4525, T replaced by G.
Molecular consequence: splice donor variant.
Genome position (GRCh38, 1-based): chr10:16,984,103, A>C on the plus strand (T>G on the coding strand, the complement: CUBN is on the minus strand). VCF-style: chr10-16984103-A-C. GRCh37 (hg19) VCF-style: chr10-17026102-A-C.
Identifiers: ClinVar variation 4731514 (VCV004731514.1).
Genomic context (GRCh38, chr10:16,984,103, plus strand): 5'-TTTCATGAAATTTAACGAGGGCTCGGCTTAAGTACTTTAGGAAACCTCCTTTTCTCACTC[A>C]CCTCCAGTGACTGCTTGCCATGACGCATTGAAGCCTCTCCCATTTATGGACAAGTCGGTC-3'